The following is an entry in ClinVar:

NM_003482.4(KMT2D):c.13777G>T (p.Gly4593Trp)

Gene: KMT2D (lysine methyltransferase 2D; minus strand). Cytogenetic location: 12q13.12.
Variant type: single nucleotide variant.
Coding change: c.13777G>T on transcript NM_003482.4 (MANE Select); coding-DNA position 13777, G replaced by T.
Protein change: p.Gly4593Trp; replaces glycine 4593 with tryptophan.
Molecular consequence: missense variant.
Genome position (GRCh38, 1-based): chr12:49,030,663, C>A on the plus strand (G>T on the coding strand, the complement: KMT2D is on the minus strand). VCF-style: chr12-49030663-C-A. GRCh37 (hg19) VCF-style: chr12-49424446-C-A.
Other names: short protein forms G4593W.
Identifiers: ClinVar variation 4537704 (VCV004537704.1).

ClinVar aggregate classification (germline): Uncertain significance (1 of 4 stars; one submission).

Submission:

GeneDx
Classification: Uncertain significance. Last evaluated: 2025-06-15. Review status: criteria provided, single submitter. Criteria: GeneDx Variant Classification Process June 2021. Collection method: clinical testing. Allele origin: germline. Affected: yes.
Comment: Not observed at significant frequency in large population cohorts (gnomAD); In silico analysis supports that this missense variant has a deleterious effect on protein structure/function; Has not been previously published as pathogenic or benign to our knowledge